The following is an entry in ClinVar:

ClinVar aggregate classification (germline): Uncertain significance. Review status: criteria provided, multiple submitters, no conflicts (2 of 4 stars). 2 submissions from 2 submitters: Uncertain significance (2). Last evaluated 2023-02-10.

Conditions:
Inborn genetic diseases. Identifiers: MedGen C0950123, MeSH D030342.
Fanconi-Bickel syndrome (FBS). Also called: PSEUDO-PHLORIZIN DIABETES; FANCONI SYNDROME WITH INTESTINAL MALABSORPTION AND GALACTOSE INTOLERANCE; HEPATIC GLYCOGENOSIS WITH AMINO ACIDURIA AND GLUCOSURIA; HEPATIC GLYCOGENOSIS WITH FANCONI NEPHROPATHY; HEPATORENAL GLYCOGENOSIS WITH RENAL FANCONI SYNDROME; Glycogen storage disease due to GLUT2 deficiency. Identifiers: Orphanet 2088, MedGen C3495427, MONDO:0009216, OMIM 227810.

Allele frequency attached by ClinVar (database versions not stated): gnomAD exomes below 0.00001; TOPMed 0.00003; gnomAD 0.00005; ESP Exome Variant Server 0.00008.
gnomAD v4.1: 9 of 1,612,360 alleles (0.00056%); highest among the groups gnomAD compares: African/African-American, 0.012%; no homozygotes.

Submissions (2):

Ambry Genetics
Classification: Uncertain significance for Inborn genetic diseases. Last evaluated: 2023-02-10. Review status: criteria provided, single submitter. Criteria: Ambry Variant Classification Scheme 2023. Collection method: clinical testing. Allele origin: germline.

Labcorp Genetics (formerly Invitae), Labcorp
Classification: Uncertain significance for Fanconi-Bickel syndrome. Last evaluated: 2022-03-14. Review status: criteria provided, single submitter. Criteria: Invitae Variant Classification Sherloc (09022015). Collection method: clinical testing. Allele origin: germline.
Comment: This sequence change replaces threonine, which is neutral and polar, with asparagine, which is neutral and polar, at codon 7 of the SLC2A2 protein (p.Thr7Asn). This variant is present in population databases (rs369700669, gnomAD 0.004%). This variant has not been reported in the literature in individuals affected with SLC2A2-related conditions. Advanced modeling of protein sequence and biophysical properties (such as structural, functional, and spatial information, amino acid conservation, physicochemical variation, residue mobility, and thermodynamic stability) performed at Invitae indicates that this missense variant is expected to disrupt SLC2A2 protein function. In summary, the available evidence is currently insufficient to determine the role of this variant in disease. Therefore, it has been classified as a Variant of Uncertain Significance.

NM_000340.2(SLC2A2):c.20C>A (p.Thr7Asn)

Gene: SLC2A2 (solute carrier family 2 member 2; minus strand). Cytogenetic location: 3q26.2.
Variant type: single nucleotide variant.
Coding change: c.20C>A on transcript NM_000340.2 (MANE Select); coding-DNA position 20, C replaced by A.
Protein change: p.Thr7Asn; replaces threonine 7 with asparagine.
Molecular consequence: missense variant. On other transcripts: 5 prime UTR variant (2).
Genome position (GRCh38, 1-based): chr3:171,018,619, G>T on the plus strand (C>A on the coding strand, the complement: SLC2A2 is on the minus strand). VCF-style: chr3-171018619-G-T. GRCh37 (hg19) VCF-style: chr3-170736408-G-T.
Other names: c.-75C>A (NM_001278658.2); c.-375C>A (NM_001278659.2); c.20C>A (NM_000340.1); short protein forms T7N.
Identifiers: ClinVar variation 2072880 (VCV002072880.3), dbSNP rs369700669, ClinGen allele CA87701733.